The following is an entry in ClinVar:

NM_006073.4(TRDN):c.210A>C (p.Leu70Phe)

Gene: TRDN (triadin; minus strand). Cytogenetic location: 6q22.31.
Variant type: single nucleotide variant.
Coding change: c.210A>C on transcript NM_006073.4 (MANE Select); coding-DNA position 210, A replaced by C.
Protein change: p.Leu70Phe; replaces leucine 70 with phenylalanine.
Molecular consequence: missense variant.
Genome position (GRCh38, 1-based): chr6:123,570,945, T>G on the plus strand (A>C on the coding strand, the complement: TRDN is on the minus strand). VCF-style: chr6-123570945-T-G. GRCh37 (hg19) VCF-style: chr6-123892090-T-G.
Other names: c.210A>C, p.Leu70Phe (NM_001251987.2, NM_001256020.2, NM_001256021.2 and 2 more transcripts); short protein forms L70F.
Identifiers: ClinVar variation 4190186 (VCV004190186.1).

ClinVar aggregate classification (germline): Uncertain significance (1 of 4 stars; one submission).

Conditions:
Cardiovascular phenotype. Identifiers: MedGen CN230736.

Submission:

Ambry Genetics
Classification: Uncertain significance for Cardiovascular phenotype. Last evaluated: 2025-06-28. Review status: criteria provided, single submitter. Criteria: Ambry Variant Classification Scheme 2023. Collection method: clinical testing. Allele origin: germline.
Comment: The p.L70F variant (also known as c.210A>C), located in coding exon 2 of the TRDN gene, results from an A to C substitution at nucleotide position 210. The leucine at codon 70 is replaced by phenylalanine, an amino acid with highly similar properties. This amino acid position is conserved. In addition, this alteration is predicted to be deleterious by in silico analysis. Based on the available evidence, the clinical significance of this variant remains unclear.